The following is an entry in ClinVar:

NM_017672.6(TRPM7):c.5321del (p.Asn1774fs)

Gene: TRPM7 (transient receptor potential cation channel subfamily M member 7; minus strand). Cytogenetic location: 15q21.2.
Variant type: Deletion.
Coding change: c.5321del on transcript NM_017672.6 (MANE Select); coding-DNA position 5321, one base deleted (A; older notation c.5321delA).
Protein change: p.Asn1774fs; shifts the reading frame from asparagine 1774.
Molecular consequence: frameshift variant. On other transcripts: non-coding transcript variant (3).
Genome position (GRCh38, 1-based): chr15:50,570,143, T deleted on the plus strand (A on the coding strand, the reverse complement: TRPM7 is on the minus strand); the first of 4 consecutive T bases (chr15:50,570,143-50,570,146); deleting any one gives the same sequence. VCF-style (leftmost placement, unchanged base first): chr15-50570142-AT-A. GRCh37 (hg19) VCF-style: chr15-50862339-AT-A.
Other names: c.5318del, p.Asn1773fs (NM_001301212.2); short protein forms N1773fs, N1774fs.
Identifiers: ClinVar variation 3381283 (VCV003381283.1).

ClinVar aggregate classification (germline): Uncertain significance (1 of 4 stars; one submission).

Submission:

GeneDx
Classification: Uncertain significance. Last evaluated: 2024-05-21. Review status: criteria provided, single submitter. Criteria: GeneDx Variant Classification Process June 2021. Collection method: clinical testing. Allele origin: germline. Affected: yes.
Comment: Not observed at significant frequency in large population cohorts (gnomAD); Has not been previously published as pathogenic or benign to our knowledge; Frameshift variant predicted to result in protein truncation or nonsense mediated decay in a gene for which loss-of-function is not an established mechanism of disease